The following is an entry in ClinVar:

ClinVar aggregate classification (germline): Pathogenic/Likely pathogenic. Review status: criteria provided, multiple submitters, no conflicts (2 of 4 stars). 4 submissions from 4 submitters: Pathogenic (2); Likely pathogenic (2). Last evaluated 2025-07-02.

Conditions:
Severe combined immunodeficiency disease. Also called: Severe combined immunodeficiency; Severe Combined Immune Deficiency. Identifiers: Orphanet 183660, MedGen C0085110, MeSH D016511, MONDO:0015974, HP:0004430. Inheritance: X-Linked or Autosomal recessive.
Severe combined immunodeficiency, autosomal recessive, T cell-negative, B cell-negative, NK cell-positive. Also called: SCID, T CELL-NEGATIVE, B CELL-NEGATIVE, NK CELL-POSITIVE; SCID, AR, T-cell negative, B-cell negative, NK cell-positive; Severe combined immunodeficiency due to complete RAG1/2 deficiency. Identifiers: Orphanet 331206, MedGen C1832322, MONDO:0011086, OMIM 601457.
Combined immunodeficiency with skin granulomas. Identifiers: Orphanet 157949, MedGen C2673536, MONDO:0009306, OMIM 233650.
Histiocytic medullary reticulosis. Also called: SEVERE COMBINED IMMUNODEFICIENCY WITH HYPEREOSINOPHILIA; Omenn syndrome. Identifiers: Orphanet 39041, MedGen C2700553, MONDO:0011338, OMIM 603554.
Combined immunodeficiency due to partial RAG1 deficiency. Identifiers: Orphanet 231154, MedGen C1835931, MONDO:0012359, OMIM 609889.

Allele frequency attached by ClinVar (database versions not stated): gnomAD exomes below 0.00001; gnomAD 0.00001.
gnomAD v4.1: 8 of 1,613,956 alleles (0.0005%); highest among the groups gnomAD compares: Middle Eastern, 0.016%; no homozygotes.

Submissions (4):

Women's Health and Genetics/Laboratory Corporation of America, LabCorp
Classification: Pathogenic for Severe combined immunodeficiency disease. Last evaluated: 2025-07-02. Review status: criteria provided, single submitter. Criteria: LabCorp Variant Classification Summary - May 2015. Collection method: clinical testing. Allele origin: germline.
Comment: Variant summary: RAG1 c.2918G>A (p.Arg973His) results in a non-conservative amino acid change in the encoded protein sequence. Algorithms developed to predict the effect of missense changes on protein structure and function are either unavailable or do not agree on the potential impact of this missense change. The variant allele was found at a frequency of 4e-06 in 250560 control chromosomes. c.2918G>A has been observed in individuals affected with Severe Combined Immunodeficiency and Omenn Syndrome (e.g., Corneo_2001, El Hawary_2022). These data indicate that the variant is likely to be associated with disease. A different variant affecting the same codon has been classified as pathogenic by our lab (c.2917C>T; p.Arg973Cys), supporting the critical relevance of codon 973 to RAG1 protein function. The following publications have been ascertained in the context of this evaluation (PMID: 11313270, 35482138). ClinVar contains an entry for this variant (Variation ID: 2678205). Based on the evidence outlined above, the variant was classified as pathogenic.

Labcorp Genetics (formerly Invitae), Labcorp
Classification: Pathogenic for Combined immunodeficiency with skin granulomas; Severe combined immunodeficiency, autosomal recessive, T cell-negative, B cell-negative, NK cell-positive. Last evaluated: 2024-06-22. Review status: criteria provided, single submitter. Criteria: Invitae Variant Classification Sherloc (09022015). Collection method: clinical testing. Allele origin: germline.
Comment: This sequence change replaces arginine, which is basic and polar, with histidine, which is basic and polar, at codon 973 of the RAG1 protein (p.Arg973His). This variant is present in population databases (no rsID available, gnomAD 0.004%). This missense change has been observed in individual(s) with Omenn syndrome (PMID: 11313270). Advanced modeling of protein sequence and biophysical properties (such as structural, functional, and spatial information, amino acid conservation, physicochemical variation, residue mobility, and thermodynamic stability) performed at Invitae indicates that this missense variant is expected to disrupt RAG1 protein function with a positive predictive value of 95%. Experimental studies have shown that this missense change affects RAG1 function (PMID: 11313270). This variant disrupts the p.Arg973 amino acid residue in RAG1. Other variant(s) that disrupt this residue have been determined to be pathogenic (PMID: 24290284; Invitae). This suggests that this residue is clinically significant, and that variants that disrupt this residue are likely to be disease-causing. For these reasons, this variant has been classified as Pathogenic.

Fulgent Genetics
Classification: Likely pathogenic for Combined immunodeficiency with skin granulomas; Severe combined immunodeficiency, autosomal recessive, T cell-negative, B cell-negative, NK cell-positive; Histiocytic medullary reticulosis; Combined immunodeficiency due to partial RAG1 deficiency. Last evaluated: 2024-02-29. Review status: criteria provided, single submitter. Criteria: ACMG Guidelines, 2015. Collection method: clinical testing. Allele origin: germline.

Baylor Genetics
Classification: Likely pathogenic for Combined immunodeficiency due to partial RAG1 deficiency. Last evaluated: 2023-04-14. Review status: criteria provided, single submitter. Criteria: ACMG Guidelines, 2015. Collection method: clinical testing. Allele origin: unknown.

Literature cited by the submitters: PubMed 11313270 (cited by Women's Health and Genetics/Laboratory Corporation of America, LabCorp and Labcorp Genetics (formerly Invitae), Labcorp); PubMed 35482138 (cited by Women's Health and Genetics/Laboratory Corporation of America, LabCorp); PubMed 24290284 (cited by Labcorp Genetics (formerly Invitae), Labcorp).

NM_000448.3(RAG1):c.2918G>A (p.Arg973His)

Gene: RAG1 (recombination activating 1; plus strand). Cytogenetic location: 11p12.
Variant type: single nucleotide variant.
Coding change: c.2918G>A on transcript NM_000448.3 (MANE Select); coding-DNA position 2918, G replaced by A.
Protein change: p.Arg973His; replaces arginine 973 with histidine.
Molecular consequence: missense variant.
Genome position (GRCh38, 1-based): chr11:36,576,222, G>A. VCF-style: chr11-36576222-G-A. GRCh37 (hg19) VCF-style: chr11-36597772-G-A.
Other names: c.2918G>A, p.Arg973His (NM_001377277.1, NM_001377278.1, NM_001377279.1 and 1 more transcripts); short protein forms R973H.
Identifiers: ClinVar variation 2678205 (VCV002678205.7), dbSNP rs1384545687, ClinGen allele CA380135994.